The following is an entry in ClinVar:

ClinVar aggregate classification (germline): Benign/Likely benign. Review status: criteria provided, multiple submitters, no conflicts (2 of 4 stars). 2 submissions from 2 submitters: Benign (1); Likely benign (1). Last evaluated 2025-06-05.

Allele frequency attached by ClinVar (database versions not stated): gnomAD exomes below 0.00001; ExAC 0.00001; gnomAD 0.00004; TOPMed 0.00004.
gnomAD v4.1: 10 of 1,613,534 alleles (0.00062%); highest among the groups gnomAD compares: African/African-American, 0.012%; no homozygotes.

Submissions (2):

Labcorp Genetics (formerly Invitae), Labcorp
Classification: Benign. Last evaluated: 2025-06-05. Review status: criteria provided, single submitter. Criteria: Invitae Variant Classification Sherloc (09022015). Collection method: clinical testing. Allele origin: germline.

CeGaT Center for Human Genetics Tuebingen
Classification: Likely benign. Last evaluated: 2023-09-01. Review status: criteria provided, single submitter. Criteria: CeGaT Center For Human Genetics Tuebingen Variant Classification Criteria Version 2. Collection method: clinical testing. Allele origin: germline. Affected: yes. Observed: 1 variant allele.
Comment: ARID1A: BP4, BP7

NM_006015.6(ARID1A):c.6720C>G (p.Ala2240=)

Gene: ARID1A (AT-rich interaction domain 1A; plus strand). Cytogenetic location: 1p36.11.
Variant type: single nucleotide variant.
Coding change: c.6720C>G on transcript NM_006015.6 (MANE Select); coding-DNA position 6720, C replaced by G.
Protein change: p.Ala2240=; no amino-acid change (alanine 2240 retained).
Molecular consequence: synonymous variant.
Genome position (GRCh38, 1-based): chr1:26,780,618, C>G. VCF-style: chr1-26780618-C-G. GRCh37 (hg19) VCF-style: chr1-27107109-C-G.
Other names: c.6069C>G, p.Ala2023= (NM_139135.4).
Identifiers: ClinVar variation 2638547 (VCV002638547.26), dbSNP rs776767678, ClinGen allele CA707886.
Genomic context (GRCh38, chr1:26,780,618, plus strand): 5'-CCCACCCTTTGAGCCAACTAGTGTGGACATGATGCGGCGGGCTGCCCGCGCGCTGCTTGC[C>G]TTGGCCAAGGTGGACGAGAACCACTCAGAGTTTACTCTGTACGAATCACGGCTGTTGGAC-3'
Protein context (NP_006006.3, residues 2230-2250): MMRRAARALL[Ala2240=]LAKVDENHSE